The following is an entry in ClinVar:

ClinVar aggregate classification (germline): Uncertain significance. Review status: criteria provided, multiple submitters, no conflicts (2 of 4 stars). 3 submissions from 3 submitters: Uncertain significance (3). Last evaluated 2025-03-09.

Conditions:
Catecholaminergic polymorphic ventricular tachycardia 1. Also called: VENTRICULAR TACHYCARDIA, CATECHOLAMINERGIC POLYMORPHIC, 1, WITH OR WITHOUT ATRIAL DYSFUNCTION AND/OR DILATED CARDIOMYOPATHY; VENTRICULAR TACHYCARDIA, STRESS-INDUCED POLYMORPHIC 1; RYR2-Related Catecholaminergic Polymorphic Ventricular Tachycardia. Identifiers: Orphanet 3286, MedGen C1631597, MONDO:0011484, OMIM 604772.
Cardiovascular phenotype. Identifiers: MedGen CN230736.
Catecholaminergic polymorphic ventricular tachycardia (CVPT). Also called: Catecholamine-induced polymorphic ventricular tachycardia. Identifiers: Orphanet 3286, MedGen C5574922, MONDO:0017990.

Allele frequency attached by ClinVar (database versions not stated): gnomAD exomes below 0.00001; TOPMed below 0.00001; gnomAD 0.00001; ExAC 0.00008.
gnomAD v4.1: 6 of 1,609,472 alleles (0.00037%); highest among the groups gnomAD compares: South Asian, 0.0044%; no homozygotes.

Submissions (3):

Labcorp Genetics (formerly Invitae), Labcorp
Classification: Uncertain significance for Catecholaminergic polymorphic ventricular tachycardia 1. Last evaluated: 2025-03-09. Review status: criteria provided, single submitter. Criteria: Invitae Variant Classification Sherloc (09022015). Collection method: clinical testing. Allele origin: germline.
Comment: This sequence change replaces valine, which is neutral and non-polar, with isoleucine, which is neutral and non-polar, at codon 4653 of the RYR2 protein (p.Val4653Ile). This variant is present in population databases (rs121918604, gnomAD 0.01%). This variant has not been reported in the literature in individuals affected with RYR2-related conditions. ClinVar contains an entry for this variant (Variation ID: 1771607). An algorithm developed to predict the effect of missense changes on protein structure and function (PolyPhen-2) suggests that this variant is likely to be tolerated. This variant disrupts the p.Val4653 amino acid residue in RYR2. Other variant(s) that disrupt this residue have been determined to be pathogenic (PMID: 11157710, 15197150). This suggests that this residue is clinically significant, and that variants that disrupt this residue are likely to be disease-causing. In summary, the available evidence is currently insufficient to determine the role of this variant in disease. Therefore, it has been classified as a Variant of Uncertain Significance.

All of Us Research Program, National Institutes of Health
Classification: Uncertain significance for Catecholaminergic polymorphic ventricular tachycardia. Last evaluated: 2023-05-04. Review status: criteria provided, single submitter. Criteria: ACMG Guidelines, 2015. Collection method: clinical testing. Allele origin: germline. Inheritance: Autosomal dominant inheritance. Observed: 1 variant allele, 1 heterozygote.
Comment: This variant is located in the RYR2 protein. Computational prediction is inconclusive regarding the impact of this variant on protein structure and function (internally defined REVEL score threshold 0.5 < inconclusive < 0.7, PMID: 27666373). To our knowledge, functional studies have not been reported for this variant. This variant has not been reported in individuals affected with RYR2-related disorders in the literature. This variant has been identified in 4/242204 chromosomes in the general population by the Genome Aggregation Database (gnomAD). The available evidence is insufficient to determine the role of this variant in disease conclusively. Therefore, this variant is classified as a Variant of Uncertain Significance.

This study involves interpretation of variants in research participants for the purpose of population health screening. Participant phenotype was not available at the time of variant classification. Additional details can be found in publication PMID: 35346344, PMCID: PMC8962531

Ambry Genetics
Classification: Uncertain significance for Cardiovascular phenotype. Last evaluated: 2022-04-05. Review status: criteria provided, single submitter. Criteria: Ambry Variant Classification Scheme 2023. Collection method: clinical testing. Allele origin: germline.
Comment: The p.V4653I variant (also known as c.13957G>A) is located in coding exon 97 of the RYR2 gene, results from a G to A substitution as nucleotide position 13957. This variant impacts the first base pair of coding exon 97. The valine at codon 4653 is replaced by isoleucine, an amino acid with highly similar properties. This amino acid position is highly conserved in available vertebrate species. In addition, the in silico prediction for this alteration is inconclusive. Since supporting evidence is limited at this time, the clinical significance of this alteration remains unclear.

Literature cited by the submitters: PubMed 11157710 (cited by Labcorp Genetics (formerly Invitae), Labcorp); PubMed 15197150 (cited by Labcorp Genetics (formerly Invitae), Labcorp).

NM_001035.3(RYR2):c.13957G>A (p.Val4653Ile)

Gene: RYR2 (ryanodine receptor 2; plus strand). Cytogenetic location: 1q43.
Variant type: single nucleotide variant.
Coding change: c.13957G>A on transcript NM_001035.3 (MANE Select); coding-DNA position 13957, G replaced by A.
Protein change: p.Val4653Ile; replaces valine 4653 with isoleucine.
Molecular consequence: missense variant.
Genome position (GRCh38, 1-based): chr1:237,798,037, G>A. VCF-style: chr1-237798037-G-A. GRCh37 (hg19) VCF-style: chr1-237961337-G-A.
Other names: short protein forms V4653I.
Identifiers: ClinVar variation 1771607 (VCV001771607.4), dbSNP rs121918604, ClinGen allele CA085539.
Genomic context (GRCh38, chr1:237,798,037, plus strand): 5'-CATATAGATGATGTTACTTAATGGTTGAAGCCAACAAAATGCTTTTTCTCATACCCCAAG[G>A]TTATGGATAAATATGGAGAGTTCTACGGCCGAGACAGAATCAGTGAATTACTTGGCATGG-3'
Protein context (NP_001026.2, residues 4643-4663): NYWDKFVKRK[Val4653Ile]MDKYGEFYGR